The following is an entry in ClinVar:

ClinVar aggregate classification (germline): Uncertain significance (1 of 4 stars; one submission).

Submission:

Labcorp Genetics (formerly Invitae), Labcorp
Classification: Uncertain significance. Last evaluated: 2023-12-11. Review status: criteria provided, single submitter. Criteria: Invitae Variant Classification Sherloc (09022015). Collection method: clinical testing. Allele origin: germline.
Comment: This sequence change replaces leucine, which is neutral and non-polar, with phenylalanine, which is neutral and non-polar, at codon 254 of the UBE3B protein (p.Leu254Phe). This variant is not present in population databases (gnomAD no frequency). This variant has not been reported in the literature in individuals affected with UBE3B-related conditions. ClinVar contains an entry for this variant (Variation ID: 1713641). Advanced modeling of protein sequence and biophysical properties (such as structural, functional, and spatial information, amino acid conservation, physicochemical variation, residue mobility, and thermodynamic stability) performed at Invitae indicates that this missense variant is not expected to disrupt UBE3B protein function with a negative predictive value of 80%. In summary, the available evidence is currently insufficient to determine the role of this variant in disease. Therefore, it has been classified as a Variant of Uncertain Significance.

NM_130466.4(UBE3B):c.760C>T (p.Leu254Phe)

Gene: UBE3B (ubiquitin protein ligase E3B; plus strand). Cytogenetic location: 12q24.11.
Variant type: single nucleotide variant.
Coding change: c.760C>T on transcript NM_130466.4 (MANE Select); coding-DNA position 760, C replaced by T.
Protein change: p.Leu254Phe; replaces leucine 254 with phenylalanine.
Molecular consequence: missense variant.
Genome position (GRCh38, 1-based): chr12:109,497,864, C>T. VCF-style: chr12-109497864-C-T. GRCh37 (hg19) VCF-style: chr12-109935669-C-T.
Other names: c.760C>T, p.Leu254Phe (NM_183415.3); short protein forms L254F.
Identifiers: ClinVar variation 1713641 (VCV001713641.5), dbSNP rs2548498180, ClinGen allele CA386633755.